The following is an entry in ClinVar:

NM_182931.3(KMT2E):c.1900GAA[1] (p.Glu635del)

Gene: KMT2E (lysine methyltransferase 2E (inactive); plus strand). Cytogenetic location: 7q22.3.
Variant type: Microsatellite.
Coding change: c.1900GAA[1] on transcript NM_182931.3 (MANE Select); one copy of the 3-base unit GAA starting at c.1900; the reference has two copies in a row; one copy, 3 bases deleted.
Protein change: p.Glu635del; deletes glutamic acid 635.
Molecular consequence: inframe deletion. On other transcripts: inframe indel (1).
Genome position (GRCh38, 1-based): chr7:105,101,901-105,101,903, GAA deleted; deleting any 3 consecutive bases within chr7:105,101,896-105,101,903 gives the same sequence; the position shown is the placement nearest the transcript's 3' end. VCF-style (leftmost placement, unchanged base first): chr7-105101895-AAAG-A. GRCh37 (hg19) VCF-style: chr7-104742342-AAAG-A.
Other names: c.1900_1902GAA[1], p.Glu635del (NM_001410908.1); c.1900GAA[1], p.Glu635del (NM_018682.4); short protein forms E635del.
Identifiers: ClinVar variation 2428903 (VCV002428903.7), dbSNP rs749174279, ClinGen allele CA4424122.
Genomic context (GRCh38, chr7:105,101,895, plus strand): 5'-CTTTATATATATGTAGTATAAAAACTTCCATTCGCTTGTATTTTGAATTAGGAACAAGCA[AAAG>A]AAGAAAATGCTAGCAAGCCAACCCCTGCCAAAGTAAATAGAACTAAACAGAGAAAAAGTT-3'

ClinVar aggregate classification (germline): Uncertain significance. Review status: criteria provided, multiple submitters, no conflicts (2 of 4 stars). 2 submissions from 2 submitters: Uncertain significance (2). Last evaluated 2024-08-24.

Submissions (2):

GeneDx
Classification: Uncertain significance. Last evaluated: 2024-08-24. Review status: criteria provided, single submitter. Criteria: GeneDx Variant Classification Process June 2021. Collection method: clinical testing. Allele origin: germline.
Comment: Not observed at significant frequency in large population cohorts (gnomAD); In-frame deletion of one amino acid in a non-repeat region; In silico analysis supports a deleterious effect on protein structure/function; Has not been previously published as pathogenic or benign to our knowledge

Labcorp Genetics (formerly Invitae), Labcorp
Classification: Uncertain significance. Last evaluated: 2023-10-04. Review status: criteria provided, single submitter. Criteria: Invitae Variant Classification Sherloc (09022015). Collection method: clinical testing. Allele origin: germline.
Comment: This variant, c.1903_1905del, results in the deletion of 1 amino acid(s) of the KMT2E protein (p.Glu635del), but otherwise preserves the integrity of the reading frame. This variant is present in population databases (rs749174279, gnomAD 0.0009%). This variant has not been reported in the literature in individuals affected with KMT2E-related conditions. ClinVar contains an entry for this variant (Variation ID: 2428903). Experimental studies and prediction algorithms are not available or were not evaluated, and the functional significance of this variant is currently unknown. In summary, the available evidence is currently insufficient to determine the role of this variant in disease. Therefore, it has been classified as a Variant of Uncertain Significance.